The following is an entry in ClinVar:

NM_013254.4(TBK1):c.1063G>A (p.Glu355Lys)

Gene: TBK1 (TANK binding kinase 1; plus strand). Cytogenetic location: 12q14.2.
Variant type: single nucleotide variant.
Coding change: c.1063G>A on transcript NM_013254.4 (MANE Select); coding-DNA position 1063, G replaced by A.
Protein change: p.Glu355Lys; replaces glutamic acid 355 with lysine.
Molecular consequence: missense variant.
Genome position (GRCh38, 1-based): chr12:64,484,373, G>A. VCF-style: chr12-64484373-G-A. GRCh37 (hg19) VCF-style: chr12-64878153-G-A.
Other names: short protein forms E355K.
Identifiers: ClinVar variation 3778290 (VCV003778290.8).
Genomic context (GRCh38, chr12:64,484,373, plus strand): 5'-TTTCATGAACTGGTATATAAACAAACCAAAATTATTTCTTCAAATCAAGAACTTATCTAC[G>A]AAGGGCGACGCTTAGTCTTAGAACCTGGAAGGCTGGCACAACATTTCCCTAAAACTACTG-3'
Protein context (NP_037386.1, residues 345-365): IISSNQELIY[Glu355Lys]GRRLVLEPGR

ClinVar aggregate classification (germline): Uncertain significance. Review status: criteria provided, multiple submitters, no conflicts (2 of 4 stars). 2 submissions from 2 submitters: Uncertain significance (2). Last evaluated 2025-05-28.

Conditions:
Frontotemporal dementia and/or amyotrophic lateral sclerosis 4. Also called: FTDALS4. Identifiers: Orphanet 275872, MedGen C4225325, MONDO:0014641, OMIM 616439.

Submissions (2):

Labcorp Genetics (formerly Invitae), Labcorp
Classification: Uncertain significance for Frontotemporal dementia and/or amyotrophic lateral sclerosis 4. Last evaluated: 2025-05-28. Review status: criteria provided, single submitter. Criteria: Invitae Variant Classification Sherloc (09022015). Collection method: clinical testing. Allele origin: germline.
Comment: This sequence change replaces glutamic acid, which is acidic and polar, with lysine, which is basic and polar, at codon 355 of the TBK1 protein (p.Glu355Lys). This variant is not present in population databases (gnomAD no frequency). This variant has not been reported in the literature in individuals affected with TBK1-related conditions. ClinVar contains an entry for this variant (Variation ID: 3778290). Invitae Evidence Modeling of protein sequence and biophysical properties (such as structural, functional, and spatial information, amino acid conservation, physicochemical variation, residue mobility, and thermodynamic stability) indicates that this missense variant is not expected to disrupt TBK1 protein function with a negative predictive value of 95%. In summary, the available evidence is currently insufficient to determine the role of this variant in disease. Therefore, it has been classified as a Variant of Uncertain Significance.

CeGaT Center for Human Genetics Tuebingen
Classification: Uncertain significance. Last evaluated: 2025-03-01. Review status: criteria provided, single submitter. Criteria: CeGaT Center For Human Genetics Tuebingen Variant Classification Criteria Version 2. Collection method: clinical testing. Allele origin: germline. Affected: yes. Observed: 1 variant allele.
Comment: TBK1: PM2